The following is an entry in ClinVar:

NM_000260.4(MYO7A):c.285+1G>C

Gene: MYO7A (myosin VIIA; plus strand). Cytogenetic location: 11q13.5.
Variant type: single nucleotide variant.
Coding change: c.285+1G>C on transcript NM_000260.4 (MANE Select); the canonical splice donor site of the intron after coding-DNA position 285, G replaced by C.
Molecular consequence: splice donor variant.
Genome position (GRCh38, 1-based): chr11:77,147,951, G>C. VCF-style: chr11-77147951-G-C. GRCh37 (hg19) VCF-style: chr11-76858997-G-C.
Other names: c.252+1G>C (NM_001369365.1); c.285+1G>C (NM_001127180.2).
Identifiers: ClinVar variation 419493 (VCV000419493.12), dbSNP rs782661097, ClinGen allele CA16619408.

ClinVar aggregate classification (germline): Pathogenic/Likely pathogenic. Review status: criteria provided, multiple submitters, no conflicts (2 of 4 stars). 6 submissions from 6 submitters: Pathogenic (2); Likely pathogenic (3). 1 of the submissions does not count toward it. Last evaluated 2026-08-31.

Conditions:
MYO7A-related disorder. Also called: MYO7A-related disorders.
Usher syndrome type 1 (USH1). Also called: RETINITIS PIGMENTOSA AND CONGENITAL DEAFNESS. Identifiers: Orphanet 231169, Orphanet 886, MedGen C1568247, MONDO:0010168, OMIM 276900.
Autosomal recessive nonsyndromic hearing loss 2. Also called: DEAFNESS, AUTOSOMAL RECESSIVE 2; NEUROSENSORY NONSYNDROMIC RECESSIVE DEAFNESS 2. Identifiers: Orphanet 90636, MedGen C1838701, MONDO:0010807, OMIM 600060.
Autosomal dominant nonsyndromic hearing loss 11. Identifiers: Orphanet 90635, MedGen C1832475, MONDO:0011032, OMIM 601317.
Usher syndrome type 1B (USH1B). Also called: Usher syndrome type IB. Identifiers: MedGen C1848638, MONDO:0700087.

Allele frequency attached by ClinVar (database versions not stated): gnomAD 0.00001; TOPMed 0.00001.
gnomAD v4.1: 3 of 1,542,702 alleles (0.00019%); highest among the groups gnomAD compares: Non-Finnish European, 0.00026%; no homozygotes.

Submissions (6):

PreventionGenetics, part of Exact Sciences
Classification: Likely pathogenic for MYO7A-related condition. Last evaluated: 2026-08-31. Review status: criteria provided, single submitter. Criteria: ACMG Guidelines, 2015. Collection method: clinical testing. Allele origin: germline.
Comment: The MYO7A c.285+1G>C variant is predicted to disrupt the GT donor site and interfere with normal splicing. To our knowledge, this variant has not been reported in the literature or in a large population database (gnomAD), indicating this variant is rare. Variants that disrupt the consensus splice donor site in MYO7A are expected to be pathogenic. Of note, variants impacting the c.285 consensus site (c.285+2T>C and c.285+2T>G) have been documented in patients with MYO7A-related disease (Table S1, Mansard et al. 2021. PubMed ID: 34948090; Khalaileh et al. 2018. PubMed ID: 29490346). Based on this evidence we interpret the c.285+1G>C variant as likely pathogenic.

Natera, Inc.
Classification: Pathogenic for Usher syndrome type 1B. Last evaluated: 2025-11-10. Review status: criteria provided, single submitter. Criteria: Natera Variant Classification Schema (03/2026). Collection method: clinical testing. Allele origin: germline.
Comment: The c.285+1G>C variant in MYO7A is a canonical splice donor site variant predicted to affect pre-mRNA splicing, which may result in an abnormal transcript and altered protein product. This variant is expected to result in nonsense mediated decay, truncation, or a dysfunctional protein product. This variant is rare in the general population with a frequency below the threshold expected for the associated phenotype(s). Another variant at this same site results in an alteration predicted to cause a similar molecular effect has been observed in individual(s) with the associated phenotype. Given the available evidence, this variant is classified as Pathogenic.

Fulgent Genetics
Classification: Likely pathogenic for Usher syndrome type 1; Autosomal recessive nonsyndromic hearing loss 2; Autosomal dominant nonsyndromic hearing loss 11. Last evaluated: 2024-03-21. Review status: criteria provided, single submitter. Criteria: ACMG Guidelines, 2015. Collection method: clinical testing. Allele origin: germline.

Labcorp Genetics (formerly Invitae), Labcorp
Classification: Pathogenic. Last evaluated: 2024-01-28. Review status: criteria provided, single submitter. Criteria: Invitae Variant Classification Sherloc (09022015). Collection method: clinical testing. Allele origin: germline.
Comment: This sequence change affects a donor splice site in intron 4 of the MYO7A gene. It is expected to disrupt RNA splicing. Variants that disrupt the donor or acceptor splice site typically lead to a loss of protein function (PMID: 16199547), and loss-of-function variants in MYO7A are known to be pathogenic (PMID: 8900236, 25404053). This variant is not present in population databases (gnomAD no frequency). Disruption of this splice site has been observed in individuals with clinical features of Usher syndrome (PMID: 29490346; Invitae). ClinVar contains an entry for this variant (Variation ID: 419493). Algorithms developed to predict the effect of sequence changes on RNA splicing suggest that this variant may disrupt the consensus splice site. For these reasons, this variant has been classified as Pathogenic.

GeneDx
Classification: Likely pathogenic. Last evaluated: 2022-05-17. Review status: criteria provided, single submitter. Criteria: GeneDx Variant Classification Process June 2021. Collection method: clinical testing. Allele origin: germline. Affected: yes.
Comment: Canonical splice site variant expected to result in aberrant splicing, although in the absence of functional evidence the actual effect of this sequence change is unknown.; Not observed at significant frequency in large population cohorts (gnomAD); Has not been previously published as pathogenic or benign to our knowledge

Counsyl
Classification: Likely pathogenic for Usher syndrome type 1; Autosomal recessive nonsyndromic hearing loss 2. Last evaluated: 2018-02-23. Review status: no assertion criteria provided. Collection method: clinical testing. Allele origin: unknown. Not counted in ClinVar's aggregate classification.

Literature cited by the submitters: PubMed 16199547 (cited by Labcorp Genetics (formerly Invitae), Labcorp); PubMed 8900236 (cited by Labcorp Genetics (formerly Invitae), Labcorp); PubMed 25404053 (cited by Labcorp Genetics (formerly Invitae), Labcorp); PubMed 29490346 (cited by Labcorp Genetics (formerly Invitae), Labcorp).